The following is an entry in ClinVar:

NM_001130438.3(SPTAN1):c.991C>G (p.Gln331Glu)

Gene: SPTAN1 (spectrin alpha, non-erythrocytic 1; plus strand). Cytogenetic location: 9q34.11.
Variant type: single nucleotide variant.
Coding change: c.991C>G on transcript NM_001130438.3 (MANE Select); coding-DNA position 991, C replaced by G.
Protein change: p.Gln331Glu; replaces glutamine 331 with glutamic acid.
Molecular consequence: missense variant.
Genome position (GRCh38, 1-based): chr9:128,577,412, C>G. VCF-style: chr9-128577412-C-G. GRCh37 (hg19) VCF-style: chr9-131339691-C-G.
Other names: c.991C>G, p.Gln331Glu (NM_001195532.2, NM_001363759.2, NM_001363765.2 and 5 more transcripts); c.1027C>G, p.Gln343Glu (NM_001375312.2, NM_001375318.1); short protein forms Q343E, Q331E.
Identifiers: ClinVar variation 2119959 (VCV002119959.4), dbSNP rs2541053490, ClinGen allele CA375049467.

ClinVar aggregate classification (germline): Uncertain significance (1 of 4 stars; one submission).

Conditions:
Early-infantile DEE. Also called: Early infantile epileptic encephalopathy; Ohtahara syndrome; Early infantile epileptic encephalopathy with suppression bursts. Identifiers: Orphanet 1934, MedGen C0393706, MONDO:0800491.

Submission:

Labcorp Genetics (formerly Invitae), Labcorp
Classification: Uncertain significance for Early-infantile DEE. Last evaluated: 2024-10-15. Review status: criteria provided, single submitter. Criteria: Invitae Variant Classification Sherloc (09022015). Collection method: clinical testing. Allele origin: germline.
Comment: This sequence change replaces glutamine, which is neutral and polar, with glutamic acid, which is acidic and polar, at codon 331 of the SPTAN1 protein (p.Gln331Glu). This variant is not present in population databases (gnomAD no frequency). This variant has not been reported in the literature in individuals affected with SPTAN1-related conditions. ClinVar contains an entry for this variant (Variation ID: 2119959). Invitae Evidence Modeling of protein sequence and biophysical properties (such as structural, functional, and spatial information, amino acid conservation, physicochemical variation, residue mobility, and thermodynamic stability) has been performed for this missense variant. However, the output from this modeling did not meet the statistical confidence thresholds required to predict the impact of this variant on SPTAN1 protein function. In summary, the available evidence is currently insufficient to determine the role of this variant in disease. Therefore, it has been classified as a Variant of Uncertain Significance.